The following is an entry in ClinVar:

ClinVar aggregate classification (germline): Uncertain significance. Review status: criteria provided, single submitter (1 of 4 stars). 2 submissions from 2 submitters: Uncertain significance (1). 1 of the submissions does not count toward it. Last evaluated 2022-02-08.

Conditions:
BBS5-related disorder. Also called: BBS5-related condition.
Bardet-Biedl syndrome (BBS). Identifiers: Orphanet 110, MedGen C0752166, MONDO:0015229.

Allele frequency attached by ClinVar (database versions not stated): ExAC 0.00001.
gnomAD v4.1: 8 of 1,610,510 alleles (0.0005%); highest among the groups gnomAD compares: East Asian, 0.0022%; no homozygotes.

Submissions (2):

Labcorp Genetics (formerly Invitae), Labcorp
Classification: Uncertain significance for Bardet-Biedl syndrome. Last evaluated: 2022-02-08. Review status: criteria provided, single submitter. Criteria: Invitae Variant Classification Sherloc (09022015). Collection method: clinical testing. Allele origin: germline.
Comment: This sequence change replaces leucine, which is neutral and non-polar, with phenylalanine, which is neutral and non-polar, at codon 30 of the BBS5 protein (p.Leu30Phe). This variant is present in population databases (rs775539949, gnomAD 0.006%). This variant has not been reported in the literature in individuals affected with BBS5-related conditions. Algorithms developed to predict the effect of missense changes on protein structure and function are either unavailable or do not agree on the potential impact of this missense change (SIFT: "Tolerated"; PolyPhen-2: "Probably Damaging"; Align-GVGD: "Class C0"). In summary, the available evidence is currently insufficient to determine the role of this variant in disease. Therefore, it has been classified as a Variant of Uncertain Significance.

PreventionGenetics, part of Exact Sciences
Classification: Uncertain significance for BBS5-related condition. Last evaluated: 2024-09-28. Review status: no assertion criteria provided. Collection method: clinical testing. Allele origin: germline. Not counted in ClinVar's aggregate classification.
Comment: The BBS5 c.88C>T variant is predicted to result in the amino acid substitution p.Leu30Phe. To our knowledge, this variant has not been reported in the literature. This variant is reported in 0.0054% of alleles in individuals of East Asian descent in gnomAD. At this time, the clinical significance of this variant is uncertain due to the absence of conclusive functional and genetic evidence.

NM_152384.3(BBS5):c.88C>T (p.Leu30Phe)

Gene: BBS5 (Bardet-Biedl syndrome 5; plus strand). Cytogenetic location: 2q31.1.
Variant type: single nucleotide variant.
Coding change: c.88C>T on transcript NM_152384.3 (MANE Select); coding-DNA position 88, C replaced by T.
Protein change: p.Leu30Phe; replaces leucine 30 with phenylalanine.
Molecular consequence: missense variant.
Genome position (GRCh38, 1-based): chr2:169,482,279, C>T. VCF-style: chr2-169482279-C-T. GRCh37 (hg19) VCF-style: chr2-170338789-C-T.
Other names: c.88C>T (NM_152384.2); short protein forms L30F.
Identifiers: ClinVar variation 1941249 (VCV001941249.3), dbSNP rs775539949, ClinGen allele CA1956104.